The following is an entry in ClinVar:

NM_182641.4(BPTF):c.6409C>A (p.Pro2137Thr)

Gene: BPTF (bromodomain PHD finger transcription factor; plus strand). Cytogenetic location: 17q24.2.
Variant type: single nucleotide variant.
Coding change: c.6409C>A on transcript NM_182641.4 (MANE Select); coding-DNA position 6409, C replaced by A.
Protein change: p.Pro2137Thr; replaces proline 2137 with threonine.
Molecular consequence: missense variant.
Genome position (GRCh38, 1-based): chr17:67,940,588, C>A. VCF-style: chr17-67940588-C-A. GRCh37 (hg19) VCF-style: chr17-65936704-C-A.
Other names: c.6787C>A, p.Pro2263Thr (NM_004459.7); short protein forms P2137T, P2263T.
Identifiers: ClinVar variation 978093 (VCV000978093.7), dbSNP rs200697649, ClinGen allele CA8726197.

ClinVar aggregate classification (germline): Conflicting classifications of pathogenicity. Review status: criteria provided, conflicting classifications (1 of 4 stars). 4 submissions from 4 submitters: Uncertain significance (3); Likely benign (1). Last evaluated 2025-08-28.

Conditions:
Inborn genetic diseases. Identifiers: MedGen C0950123, MeSH D030342.

Allele frequency attached by ClinVar (database versions not stated): TOPMed 0.00006; 1000 Genomes Project 30x 0.00062; 1000 Genomes Project 0.00060; ExAC 0.00003; gnomAD 0.00009.
gnomAD v4.1: 37 of 1,614,138 alleles (0.0023%); highest among the groups gnomAD compares: Middle Eastern, 0.049%; no homozygotes.

Submissions (4):

Ambry Genetics
Classification: Likely benign for Inborn genetic diseases. Last evaluated: 2025-08-28. Review status: criteria provided, single submitter. Criteria: Ambry Variant Classification Scheme 2023. Collection method: clinical testing. Allele origin: germline.

Labcorp Genetics (formerly Invitae), Labcorp
Classification: Uncertain significance. Last evaluated: 2025-03-03. Review status: criteria provided, single submitter. Criteria: Invitae Variant Classification Sherloc (09022015). Collection method: clinical testing. Allele origin: germline.
Comment: This sequence change replaces proline, which is neutral and non-polar, with threonine, which is neutral and polar, at codon 2263 of the BPTF protein (p.Pro2263Thr). This variant is present in population databases (rs200697649, gnomAD 0.009%). This variant has not been reported in the literature in individuals affected with BPTF-related conditions. ClinVar contains an entry for this variant (Variation ID: 978093). An algorithm developed to predict the effect of missense changes on protein structure and function (PolyPhen-2) suggests that this variant is likely to be tolerated. In summary, the available evidence is currently insufficient to determine the role of this variant in disease. Therefore, it has been classified as a Variant of Uncertain Significance.

New York Genome Center
Classification: Uncertain significance. Last evaluated: 2019-12-02. Review status: criteria provided, single submitter. Criteria: NYGC Assertion Criteria 2020. Collection method: clinical testing. Allele origin: germline. Affected: yes. Observed: 1 heterozygote. Study: CSER-NYCKidSeq.

Breakthrough Genomics
Classification: Uncertain significance. Review status: criteria provided, single submitter. Criteria: ACMG Guidelines, 2015. Collection method: not provided. Allele origin: germline. Inheritance: Autosomal dominant inheritance. Affected: yes.